The following is an entry in ClinVar:

NM_001042492.3(NF1):c.7872T>C (p.Ala2624=)

Gene: NF1 (neurofibromin 1; plus strand). Cytogenetic location: 17q11.2.
Variant type: single nucleotide variant.
Coding change: c.7872T>C on transcript NM_001042492.3 (MANE Select); coding-DNA position 7872, T replaced by C.
Protein change: p.Ala2624=; no amino-acid change (alanine 2624 retained).
Molecular consequence: synonymous variant.
Genome position (GRCh38, 1-based): chr17:31,357,271, T>C. VCF-style: chr17-31357271-T-C. GRCh37 (hg19) VCF-style: chr17-29684289-T-C.
Other names: c.7809T>C, p.Ala2603= (NM_000267.4).
Identifiers: ClinVar variation 481895 (VCV000481895.6), dbSNP rs1399938334, ClinGen allele CA499239495.

ClinVar aggregate classification (germline): Likely benign. Review status: criteria provided, multiple submitters, no conflicts (2 of 4 stars). 2 submissions from 2 submitters: Likely benign (2). Last evaluated 2025-03-09.

Conditions:
Hereditary cancer-predisposing syndrome. Also called: Hereditary neoplastic syndrome; Neoplastic Syndromes, Hereditary; Tumor predisposition; Hereditary Cancer Syndrome. Identifiers: Orphanet 140162, MedGen C0027672, MeSH D009386, MONDO:0015356.
Neurofibromatosis, type 1 (NF1). Also called: VON RECKLINGHAUSEN DISEASE; Peripheral type neurofibromatosis; NEUROFIBROMATOSIS, TYPE I, SOMATIC; Neurofibromatosis, type I. Identifiers: Orphanet 636, MedGen C0027831, MONDO:0018975, OMIM 162200. Disease mechanism: loss of function.

Submissions (2):

Labcorp Genetics (formerly Invitae), Labcorp
Classification: Likely benign for Neurofibromatosis, type 1. Last evaluated: 2025-03-09. Review status: criteria provided, single submitter. Criteria: Invitae Variant Classification Sherloc (09022015). Collection method: clinical testing. Allele origin: germline.

Ambry Genetics
Classification: Likely benign for Hereditary cancer-predisposing syndrome. Last evaluated: 2016-02-01. Review status: criteria provided, single submitter. Criteria: Ambry Autosomal Dominant and X-Linked criteria (10/2015). Collection method: clinical testing. Allele origin: germline. Observed: 1 variant allele.
Comment: Synonymous alterations with insufficient evidence to classify as benign